The following is an entry in ClinVar:

NM_001349253.2(SCN11A):c.3467G>A (p.Arg1156His)

Gene: SCN11A (sodium voltage-gated channel alpha subunit 11; minus strand). Cytogenetic location: 3p22.2.
Variant type: single nucleotide variant.
Coding change: c.3467G>A on transcript NM_001349253.2 (MANE Select); coding-DNA position 3467, G replaced by A.
Protein change: p.Arg1156His; replaces arginine 1156 with histidine.
Molecular consequence: missense variant.
Genome position (GRCh38, 1-based): chr3:38,872,221, C>T on the plus strand (G>A on the coding strand, the complement: SCN11A is on the minus strand). VCF-style: chr3-38872221-C-T. GRCh37 (hg19) VCF-style: chr3-38913712-C-T.
Other names: c.3467G>A, p.Arg1156His (NM_014139.3); c.3467G>A (NM_014139.2); short protein forms R1156H.
Identifiers: ClinVar variation 1017449 (VCV001017449.6), dbSNP rs367743263, ClinGen allele CA2321777.
Genomic context (GRCh38, chr3:38,872,221, plus strand): 5'-TGAACTTCTACCCATTCTTCTGCAGAATGTACCTTCATTCCTTCAAACTGGGACAGCGCA[C>T]GAAGAGGCCTCAGTGCTCGTAGAGTCCGGAAGGACTTCAATTCCATTAAGTTAATGAGGG-3'
Protein context (NP_001336182.1, residues 1146-1166): FRTLRALRPL[Arg1156His]ALSQFEGMKV

ClinVar aggregate classification (germline): Conflicting classifications of pathogenicity. Review status: criteria provided, conflicting classifications (1 of 4 stars). 2 submissions from 2 submitters: Uncertain significance (1); Likely benign (1). Last evaluated 2025-08-05.

Conditions:
Inborn genetic diseases. Identifiers: MedGen C0950123, MeSH D030342.
Hereditary sensory and autonomic neuropathy type 7. Also called: Neuropathy, hereditary sensory and autonomic, type VII; HSAN VII. Identifiers: Orphanet 391397, MedGen C3809882, MONDO:0014244, OMIM 615548.
Familial episodic pain syndrome with predominantly lower limb involvement. Also called: Episodic pain syndrome, familial, 3. Identifiers: Orphanet 391384, Orphanet 391392, MedGen C3809899, MONDO:0014247, OMIM 615552.

Allele frequency attached by ClinVar (database versions not stated): gnomAD exomes 0.00001; TOPMed 0.00004; ESP Exome Variant Server 0.00008.

Submissions (2):

Ambry Genetics
Classification: Likely benign for Inborn genetic diseases. Last evaluated: 2025-08-05. Review status: criteria provided, single submitter. Criteria: Ambry Variant Classification Scheme 2023. Collection method: clinical testing. Allele origin: germline.

Labcorp Genetics (formerly Invitae), Labcorp
Classification: Uncertain significance for Familial episodic pain syndrome with predominantly lower limb involvement; Hereditary sensory and autonomic neuropathy type 7. Last evaluated: 2023-07-22. Review status: criteria provided, single submitter. Criteria: Invitae Variant Classification Sherloc (09022015). Collection method: clinical testing. Allele origin: germline.
Comment: This sequence change replaces arginine, which is basic and polar, with histidine, which is basic and polar, at codon 1156 of the SCN11A protein (p.Arg1156His). This variant is present in population databases (rs367743263, gnomAD 0.01%). This variant has not been reported in the literature in individuals affected with SCN11A-related conditions. ClinVar contains an entry for this variant (Variation ID: 1017449). Advanced modeling of protein sequence and biophysical properties (such as structural, functional, and spatial information, amino acid conservation, physicochemical variation, residue mobility, and thermodynamic stability) performed at Invitae indicates that this missense variant is expected to disrupt SCN11A protein function. In summary, the available evidence is currently insufficient to determine the role of this variant in disease. Therefore, it has been classified as a Variant of Uncertain Significance.